The following is an entry in ClinVar:

ClinVar aggregate classification (germline): Uncertain significance (1 of 4 stars; one submission).

Conditions:
Hypertrophic cardiomyopathy. Also called: HYPERTROPHIC MYOCARDIOPATHY. Identifiers: Orphanet 217569, MedGen C0007194, MeSH D002312, MONDO:0005045, HP:0001639.

Submission:

Labcorp Genetics (formerly Invitae), Labcorp
Classification: Uncertain significance for Hypertrophic cardiomyopathy. Last evaluated: 2025-06-27. Review status: criteria provided, single submitter. Criteria: Invitae Variant Classification Sherloc (09022015). Collection method: clinical testing. Allele origin: germline.
Comment: This sequence change replaces glutamine, which is neutral and polar, with proline, which is neutral and non-polar, at codon 1802 of the MYH7 protein (p.Gln1802Pro). This variant is not present in population databases (gnomAD no frequency). This variant has not been reported in the literature in individuals affected with MYH7-related conditions. Invitae Evidence Modeling of protein sequence and biophysical properties (such as structural, functional, and spatial information, amino acid conservation, physicochemical variation, residue mobility, and thermodynamic stability) indicates that this missense variant is expected to disrupt MYH7 protein function with a positive predictive value of 95%. In summary, the available evidence is currently insufficient to determine the role of this variant in disease. Therefore, it has been classified as a Variant of Uncertain Significance.

NM_000257.4(MYH7):c.5405A>C (p.Gln1802Pro)

Gene: MYH7 (myosin heavy chain 7; minus strand). Cytogenetic location: 14q11.2.
Variant type: single nucleotide variant.
Coding change: c.5405A>C on transcript NM_000257.4 (MANE Select); coding-DNA position 5405, A replaced by C.
Protein change: p.Gln1802Pro; replaces glutamine 1802 with proline.
Molecular consequence: missense variant.
Genome position (GRCh38, 1-based): chr14:23,415,149, T>G on the plus strand (A>C on the coding strand, the complement: MYH7 is on the minus strand). VCF-style: chr14-23415149-T-G. GRCh37 (hg19) VCF-style: chr14-23884358-T-G.
Other names: c.5405A>C, p.Gln1802Pro (NM_001407004.1); short protein forms Q1802P.
Identifiers: ClinVar variation 4801908 (VCV004801908.1).